The following is an entry in ClinVar:

ClinVar aggregate classification (germline): Benign. Review status: criteria provided, multiple submitters, no conflicts (2 of 4 stars). 3 submissions from 3 submitters: Benign (2). 1 of the submissions does not count toward it. Last evaluated 2025-12-26.

Conditions:
PLXNA2-related disorder. Also called: PLXNA2-related condition.

Allele frequency attached by ClinVar (database versions not stated): TOPMed 0.00162; ESP Exome Variant Server 0.00169; 1000 Genomes Project 30x 0.00234; 1000 Genomes Project 0.00240; gnomAD exomes 0.00034 and 0.00080; ExAC 0.00091; gnomAD 0.00153 and 0.00161.
gnomAD v4.1: 733 of 1,614,124 alleles (0.045%); highest among the groups gnomAD compares: African/African-American, 0.51%; 6 homozygotes.

Submissions (3):

Labcorp Genetics (formerly Invitae), Labcorp
Classification: Benign. Last evaluated: 2025-12-26. Review status: criteria provided, single submitter. Criteria: Invitae Variant Classification Sherloc (09022015). Collection method: clinical testing. Allele origin: germline.

Breakthrough Genomics
Classification: Benign. Review status: criteria provided, single submitter. Criteria: ACMG Guidelines, 2015. Collection method: not provided. Allele origin: germline. Inheritance: Unknown mechanism. Affected: yes.

PreventionGenetics, part of Exact Sciences
Classification: Likely benign for PLXNA2-related condition. Last evaluated: 2021-06-16. Review status: no assertion criteria provided. Collection method: clinical testing. Allele origin: germline. Not counted in ClinVar's aggregate classification.
Comment: This variant is classified as likely benign based on ACMG/AMP sequence variant interpretation guidelines (Richards et al. 2015 PMID: 25741868, with internal and published modifications).

NM_025179.4(PLXNA2):c.1545G>A (p.Thr515=)

Gene: PLXNA2 (plexin A2; minus strand). Cytogenetic location: 1q32.2.
Variant type: single nucleotide variant.
Coding change: c.1545G>A on transcript NM_025179.4 (MANE Select); coding-DNA position 1545, G replaced by A.
Protein change: p.Thr515=; no amino-acid change (threonine 515 retained).
Molecular consequence: synonymous variant.
Genome position (GRCh38, 1-based): chr1:208,103,209, C>T on the plus strand (G>A on the coding strand, the complement: PLXNA2 is on the minus strand). VCF-style: chr1-208103209-C-T. GRCh37 (hg19) VCF-style: chr1-208276554-C-T.
Other names: c.1545G>A (NM_025179.3).
Identifiers: ClinVar variation 1599204 (VCV001599204.11), dbSNP rs146699147, ClinGen allele CA1373808.